The following is an entry in ClinVar:

ClinVar aggregate classification (germline): Uncertain significance (1 of 4 stars; one submission).

gnomAD v4.1: 1 of 1,531,342 alleles (0.000065%); highest among the groups gnomAD compares: Non-Finnish European, 0.000088%; no homozygotes.

Submission:

Labcorp Genetics (formerly Invitae), Labcorp
Classification: Uncertain significance. Last evaluated: 2025-03-13. Review status: criteria provided, single submitter. Criteria: Invitae Variant Classification Sherloc (09022015). Collection method: clinical testing. Allele origin: germline.
Comment: This sequence change replaces glutamic acid, which is acidic and polar, with glycine, which is neutral and non-polar, at codon 82 of the ABRAXAS1 protein (p.Glu82Gly). This variant is not present in population databases (gnomAD no frequency). This variant has not been reported in the literature in individuals affected with ABRAXAS1-related conditions. Invitae Evidence Modeling of protein sequence and biophysical properties (such as structural, functional, and spatial information, amino acid conservation, physicochemical variation, residue mobility, and thermodynamic stability) has been performed for this missense variant. However, the output from this modeling did not meet the statistical confidence thresholds required to predict the impact of this variant on ABRAXAS1 protein function. In summary, the available evidence is currently insufficient to determine the role of this variant in disease. Therefore, it has been classified as a Variant of Uncertain Significance.

NM_139076.3(ABRAXAS1):c.245A>G (p.Glu82Gly)

Gene: ABRAXAS1 (abraxas 1, BRCA1 A complex subunit; minus strand). Cytogenetic location: 4q21.23.
Variant type: single nucleotide variant.
Coding change: c.245A>G on transcript NM_139076.3 (MANE Select); coding-DNA position 245, A replaced by G.
Protein change: p.Glu82Gly; replaces glutamic acid 82 with glycine.
Molecular consequence: missense variant. On other transcripts: intron variant (1).
Genome position (GRCh38, 1-based): chr4:83,472,259, T>C on the plus strand (A>G on the coding strand, the complement: ABRAXAS1 is on the minus strand). VCF-style: chr4-83472259-T-C. GRCh37 (hg19) VCF-style: chr4-84393412-T-C.
Other names: c.-45-1863A>G (NM_001345962.2); short protein forms E82G.
Identifiers: ClinVar variation 4764874 (VCV004764874.1).
Genomic context (GRCh38, chr4:83,472,259, plus strand): 5'-AGGGAAGATAAATTAGAGAATACCTTTTTGACATTTGATAATATTTTCTTCAGTGCTTGC[T>C]CATTTACTTCGCCTGAAGAATTATAAAAGCTGTAAAAGCCAAAATTAAAGGTATTTCAAA-3'
Protein context (NP_620775.2, residues 72-92): SFYNSSGEVN[Glu82Gly]QALKKILSNV